The following is an entry in ClinVar:

NM_012123.4(MTO1):c.1462C>T (p.Arg488Ter)

Gene: MTO1 (mitochondrial tRNA translation optimization 1; plus strand). Cytogenetic location: 6q13.
Variant type: single nucleotide variant.
Coding change: c.1462C>T on transcript NM_012123.4 (MANE Select); coding-DNA position 1462, C replaced by T.
Protein change: p.Arg488Ter; replaces arginine 488 with a stop codon.
Molecular consequence: nonsense.
Genome position (GRCh38, 1-based): chr6:73,482,241, C>T. VCF-style: chr6-73482241-C-T. GRCh37 (hg19) VCF-style: chr6-74191964-C-T.
Other names: c.1582C>T, p.Arg528Ter (NM_001123226.2); c.1537C>T, p.Arg513Ter (NM_133645.3); c.1582C>T (NM_001123226.1); short protein forms R488*, R513*, R528*.
Identifiers: ClinVar variation 488996 (VCV000488996.11), dbSNP rs771939280, ClinGen allele CA3889645.

ClinVar aggregate classification (germline): Pathogenic/Likely pathogenic. Review status: criteria provided, multiple submitters, no conflicts (2 of 4 stars). 5 submissions from 5 submitters: Pathogenic (4); Likely pathogenic (1). Last evaluated 2024-11-08.

Conditions:
MTO1-related disorder. Also called: MTO1-related condition.
Inborn genetic diseases. Identifiers: MedGen C0950123, MeSH D030342.
Mitochondrial hypertrophic cardiomyopathy with lactic acidosis due to MTO1 deficiency. Also called: CARDIOMYOPATHY, INFANTILE HYPERTROPHIC MITOCHONDRIAL, AND LACTIC ACIDOSIS; Combined oxidative phosphorylation deficiency 10. Identifiers: Orphanet 314637, MedGen C4749921, MONDO:0013865, OMIM 614702.

Allele frequency attached by ClinVar (database versions not stated): ExAC 0.00001; gnomAD exomes 0.00001; gnomAD 0.00002; TOPMed 0.00003.
gnomAD v4.1: 18 of 1,613,816 alleles (0.0011%); highest among the groups gnomAD compares: Admixed American, 0.0033%; no homozygotes.

Submissions (5):

PreventionGenetics, part of Exact Sciences
Classification: Likely pathogenic for MTO1-related condition. Last evaluated: 2024-11-08. Review status: criteria provided, single submitter. Criteria: ACMG Guidelines, 2015. Collection method: clinical testing. Allele origin: germline.
Comment: The MTO1 c.1462C>T variant is predicted to result in premature protein termination (p.Arg488*). This variant has been reported in an individual with developmental delay, hypertrophic cardiomyopathy, epilepsy, and optic neuropathy (Li et al. 2019. PubMed ID: 31842146). This variant is reported in 0.0054% of alleles in individuals of East Asian descent in gnomAD. Nonsense variants in MTO1 are expected to be pathogenic. This variant is interpreted as likely pathogenic.

Labcorp Genetics (formerly Invitae), Labcorp
Classification: Pathogenic for Mitochondrial hypertrophic cardiomyopathy with lactic acidosis due to MTO1 deficiency. Last evaluated: 2023-06-07. Review status: criteria provided, single submitter. Criteria: Invitae Variant Classification Sherloc (09022015). Collection method: clinical testing. Allele origin: germline.
Comment: This variant is present in population databases (rs771939280, gnomAD 0.006%). For these reasons, this variant has been classified as Pathogenic. ClinVar contains an entry for this variant (Variation ID: 488996). This premature translational stop signal has been observed in individual(s) with combined oxidative phosphorylation deficiency (PMID: 31842146). In at least one individual the data is consistent with being in trans (on the opposite chromosome) from a pathogenic variant. It has also been observed to segregate with disease in related individuals. This sequence change creates a premature translational stop signal (p.Arg488*) in the MTO1 gene. It is expected to result in an absent or disrupted protein product. Loss-of-function variants in MTO1 are known to be pathogenic (PMID: 22608499, 25058219).

Ambry Genetics
Classification: Pathogenic for Inborn genetic diseases. Last evaluated: 2022-06-17. Review status: criteria provided, single submitter. Criteria: Ambry Variant Classification Scheme 2023. Collection method: clinical testing. Allele origin: germline.
Comment: The c.1582C>T (p.R528*) alteration, located in exon 9 (coding exon 9) of the MTO1 gene, consists of a C to T substitution at nucleotide position 1582. This changes the amino acid from an arginine (R) to a stop codon at amino acid position 528. This alteration is expected to result in loss of function by premature protein truncation or nonsense-mediated mRNA decay. This alteration was detected in trans with an MTO1 missense alteration in two siblings with MTO1-related combined oxidative phosphorylation deficiency (Li, 2020). Based on the available evidence, this alteration is classified as pathogenic.

Blueprint Genetics
Classification: Pathogenic for MTO1-related disorders. Last evaluated: 2022-01-26. Review status: criteria provided, single submitter. Criteria: ACMG Guidelines, 2015. Collection method: clinical testing. Allele origin: germline. Affected: yes. Observed: 5 variant alleles.

GeneDx
Classification: Pathogenic. Last evaluated: 2019-10-14. Review status: criteria provided, single submitter. Criteria: GeneDx Variant Classification Process June 2021. Collection method: clinical testing. Allele origin: germline. Affected: yes.
Comment: Nonsense variant predicted to result in protein truncation or nonsense mediated decay in a gene for which loss-of-function is a known mechanism of disease; Not observed at a significant frequency in large population cohorts (Lek et al., 2016); Has not been previously published as pathogenic or benign to our knowledge; This variant is associated with the following publications: (PMID: 31842146)

Literature cited by the submitters: PubMed 31842146 (cited by Labcorp Genetics (formerly Invitae), Labcorp and Ambry Genetics); PubMed 22608499 (cited by Labcorp Genetics (formerly Invitae), Labcorp); PubMed 25058219 (cited by Labcorp Genetics (formerly Invitae), Labcorp).